The following is an entry in ClinVar:

NM_006623.4(PHGDH):c.775del (p.Leu259fs)

Gene: PHGDH (phosphoglycerate dehydrogenase; plus strand). Cytogenetic location: 1p12.
Variant type: Deletion.
Coding change: c.775del on transcript NM_006623.4 (MANE Select); coding-DNA position 775, one base deleted (C; older notation c.775delC).
Protein change: p.Leu259fs; shifts the reading frame from leucine 259.
Molecular consequence: frameshift variant.
Genome position (GRCh38, 1-based): chr1:119,735,426, C deleted. VCF-style (leftmost placement, unchanged base first): chr1-119735425-AC-A. GRCh37 (hg19) VCF-style: chr1-120278048-AC-A.
Other names: short protein forms L259fs.
Identifiers: ClinVar variation 2000405 (VCV002000405.4), dbSNP rs2464161009, ClinGen allele CA2580060914.

ClinVar aggregate classification (germline): Pathogenic (1 of 4 stars; one submission).

Conditions:
PHGDH deficiency. Identifiers: Orphanet 79351, MedGen C1866174, MONDO:0011152, OMIM 601815.

Submission:

Labcorp Genetics (formerly Invitae), Labcorp
Classification: Pathogenic for PHGDH deficiency. Last evaluated: 2022-07-08. Review status: criteria provided, single submitter. Criteria: Invitae Variant Classification Sherloc (09022015). Collection method: clinical testing. Allele origin: germline.
Comment: This sequence change creates a premature translational stop signal (p.Leu259Trpfs*49) in the PHGDH gene. It is expected to result in an absent or disrupted protein product. Loss-of-function variants in PHGDH are known to be pathogenic (PMID: 14645240, 24836451). This variant is not present in population databases (gnomAD no frequency). This variant has not been reported in the literature in individuals affected with PHGDH-related conditions. For these reasons, this variant has been classified as Pathogenic.

Literature cited by the submitters: PubMed 14645240; PubMed 24836451.